The following is an entry in ClinVar:

NM_213655.5(WNK1):c.3535C>G (p.Gln1179Glu)

Gene: WNK1 (WNK lysine deficient protein kinase 1; plus strand). Cytogenetic location: 12p13.33.
Variant type: single nucleotide variant.
Coding change: c.3535C>G on transcript NM_213655.5 (MANE Plus Clinical); coding-DNA position 3535, C replaced by G.
Protein change: p.Gln1179Glu; replaces glutamine 1179 with glutamic acid.
Molecular consequence: missense variant. On other transcripts: intron variant (2).
Genome position (GRCh38, 1-based): chr12:869,006, C>G. VCF-style: chr12-869006-C-G. GRCh37 (hg19) VCF-style: chr12-978172-C-G.
Other names: c.3280C>G, p.Gln1094Glu (NM_001184985.2); c.2140-2259C>G (NM_018979.4, NM_014823.3); short protein forms Q1094E, Q1179E.
Identifiers: ClinVar variation 950262 (VCV000950262.9), dbSNP rs1951918264, ClinGen allele CA383342305.
Genomic context (GRCh38, chr12:869,006, plus strand): 5'-GCTGCACCTTTTGGCTCTGACGTCTCAATGCCCTTTATCCATCTGCCTCAGACAGTGTTA[C>G]AAGAATCCCCACTTTTCTTCTGTTTCCCCCAAGGAACCACATCTCAGCAGGTCTTAACTG-3'
Protein context (NP_998820.3, residues 1169-1189): PFIHLPQTVL[Gln1179Glu]ESPLFFCFPQ

ClinVar aggregate classification (germline): Uncertain significance (1 of 4 stars; one submission).

Conditions:
Neuropathy, hereditary sensory and autonomic, type 2A (HSAN2A). Also called: ACROOSTEOLYSIS, GIACCAI TYPE; ACROOSTEOLYSIS, NEUROGENIC; WNK1-Related HSAN2 (HSAN2A); HSAN IIA; MORVAN DISEASE; NEUROPATHY, CONGENITAL SENSORY. Identifiers: Orphanet 970, MedGen C2752089, MONDO:0024309, OMIM 201300.
Pseudohypoaldosteronism type 2C (PHA2C). Also called: Pseudohypoaldosteronism Type IIC. Identifiers: Orphanet 757, Orphanet 88940, MedGen C1840391, MONDO:0013778, OMIM 614492.

Allele frequency attached by ClinVar (database versions not stated): gnomAD exomes below 0.00001.
gnomAD v4.1: 4 of 1,610,266 alleles (0.00025%); highest among the groups gnomAD compares: Non-Finnish European, 0.00025%; no homozygotes.

Submission:

Labcorp Genetics (formerly Invitae), Labcorp
Classification: Uncertain significance for Neuropathy, hereditary sensory and autonomic, type 2A; Pseudohypoaldosteronism type 2C. Last evaluated: 2025-02-07. Review status: criteria provided, single submitter. Criteria: Invitae Variant Classification Sherloc (09022015). Collection method: clinical testing. Allele origin: germline.
Comment: This sequence change replaces glutamine, which is neutral and polar, with glutamic acid, which is acidic and polar, at codon 1179 of the WNK1 protein (p.Gln1179Glu). This variant is not present in population databases (gnomAD no frequency). This variant has not been reported in the literature in individuals affected with WNK1-related conditions. ClinVar contains an entry for this variant (Variation ID: 950262). Invitae Evidence Modeling of protein sequence and biophysical properties (such as structural, functional, and spatial information, amino acid conservation, physicochemical variation, residue mobility, and thermodynamic stability) indicates that this missense variant is not expected to disrupt WNK1 protein function with a negative predictive value of 95%. In summary, the available evidence is currently insufficient to determine the role of this variant in disease. Therefore, it has been classified as a Variant of Uncertain Significance.